The following is an entry in ClinVar:

ClinVar aggregate classification (germline): Uncertain significance (1 of 4 stars; one submission).

Allele frequency attached by ClinVar (database versions not stated): ExAC 0.00001.
gnomAD v4.1: 4 of 1,614,016 alleles (0.00025%); highest among the groups gnomAD compares: African/African-American, 0.0053%; no homozygotes.

Submission:

Labcorp Genetics (formerly Invitae), Labcorp
Classification: Uncertain significance. Last evaluated: 2025-06-15. Review status: criteria provided, single submitter. Criteria: Invitae Variant Classification Sherloc (09022015). Collection method: clinical testing. Allele origin: germline.
Comment: This sequence change affects a donor splice site in intron 13 of the A2ML1 gene. It is expected to disrupt RNA splicing. Variants that disrupt the donor or acceptor splice site typically lead to a loss of protein function (PMID: 16199547), however the current clinical and genetic evidence is not sufficient to establish whether loss-of-function variants in A2ML1 cause disease. This variant is present in population databases (rs766100204, gnomAD 0.008%). This variant has not been reported in the literature in individuals affected with A2ML1-related conditions. ClinVar contains an entry for this variant (Variation ID: 2896547). Algorithms developed to predict the effect of sequence changes on RNA splicing suggest that this variant may disrupt the consensus splice site. In summary, the available evidence is currently insufficient to determine the role of this variant in disease. Therefore, it has been classified as a Variant of Uncertain Significance.

Literature cited by the submitters: PubMed 16199547.

NM_144670.6(A2ML1):c.1537+1G>T

Gene: A2ML1 (alpha-2-macroglobulin like 1; plus strand). Cytogenetic location: 12p13.31.
Variant type: single nucleotide variant.
Coding change: c.1537+1G>T on transcript NM_144670.6 (MANE Select); the canonical splice donor site of the intron after coding-DNA position 1537, G replaced by T.
Molecular consequence: splice donor variant.
Genome position (GRCh38, 1-based): chr12:8,845,503, G>T. VCF-style: chr12-8845503-G-T. GRCh37 (hg19) VCF-style: chr12-8998099-G-T.
Other names: c.64+1G>T (NM_001282424.3).
Identifiers: ClinVar variation 2896547 (VCV002896547.3), dbSNP rs766100204, ClinGen allele CA6435722.